The following is an entry in ClinVar:

ClinVar aggregate classification (germline): Pathogenic. Review status: criteria provided, multiple submitters, no conflicts (2 of 4 stars). 4 submissions from 4 submitters: Pathogenic (3). 1 of the submissions does not count toward it. Last evaluated 2024-11-01.

Conditions:
Polycystic kidney disease, adult type (PKD1). Also called: Polycystic Kidney, Autosomal Dominant; POLYCYSTIC KIDNEY DISEASE, ADULT, TYPE I; Polycystic Kidney Disease 1, Autosomal Dominant; Polycystic kidney disease 1; Polycystic kidney disease 1, severe; POLYCYSTIC KIDNEY DISEASE 1 WITH OR WITHOUT POLYCYSTIC LIVER DISEASE. Identifiers: MedGen C3149841, MONDO:0008263, OMIM 173900.
Polycystic kidney disease. Also called: Kidney, Polycystic; Polycystic kidney dysplasia. Identifiers: MedGen C0022680, MeSH D007690, MONDO:0020642, HP:0000113.

Submissions (4):

CeGaT Center for Human Genetics Tuebingen
Classification: Pathogenic. Last evaluated: 2024-11-01. Review status: criteria provided, single submitter. Criteria: CeGaT Center For Human Genetics Tuebingen Variant Classification Criteria Version 2. Collection method: clinical testing. Allele origin: germline. Affected: yes. Observed: 1 variant allele.
Comment: PKD1: PVS1, PM2, PS4:Moderate

Molecular Biology Laboratory, Fundació Puigvert
Classification: Pathogenic for Polycystic kidney disease, adult type. Last evaluated: 2020-02-01. Review status: criteria provided, single submitter. Criteria: ACMG Guidelines, 2015. Collection method: research. Allele origin: germline. Affected: yes. Study: KidneyPanel_2020.

Juno Genomics, Hangzhou Juno Genomics, Inc
Classification: Pathogenic for Polycystic kidney disease, adult type. Review status: criteria provided, single submitter. Criteria: ACMG Guidelines, 2015. Collection method: clinical testing. Allele origin: germline. Affected: yes.
Comment: Absent from controls (or at extremely low frequency if recessive) in Genome Aggregation Database, Exome Sequencing Project, 1000 Genomes Project, or Exome Aggregation Consortium.;Null variant in a gene where loss of function (LOF) is a known mechanism of disease.;Patient's phenotype or family history is highly specific for a disease with a single genetic etiology.

Department of Pathology and Laboratory Medicine, Sinai Health System
Classification: Pathogenic for Polycystic Kidney disease. Review status: no assertion criteria provided. Collection method: clinical testing. Allele origin: unknown. Affected: yes. Study: The Canadian Open Genetics Repository (COGR). Not counted in ClinVar's aggregate classification.
Comment: The PKD1 p.Gln604X variant was not identified in the literature nor was it identified in the following databases: dbSNP, ClinVar, COGR, LOVD 3.0, ADPKD Mutation Database, PKD1-LOVD, the 1000 Genomes Project, the NHLBI GO Exome Sequencing Project, the Exome Aggregation Consortium (August 8th 2016), or the Genome Aggregation Database (Feb 27, 2017). The c.1810C>T variant leads to a premature stop codon at position 604 which is predicted to lead to a truncated or absent protein and loss of function. Loss of function variants of the PKD1 gene are an established mechanism of disease in autosomal dominant polycystic kidney disease and is the type of variant expected to cause the disorder. In summary, based on the above information this variant meets our laboratoryâ€šÃ„Ã´s criteria to be classified as pathogenic.

Literature cited by the submitters: PubMed 33532864 (cited by Molecular Biology Laboratory, Fundació Puigvert).

NM_001009944.3(PKD1):c.1810C>T (p.Gln604Ter)

Gene: PKD1 (polycystin 1, transient receptor potential channel interacting; minus strand). Cytogenetic location: 16p13.3.
Variant type: single nucleotide variant.
Coding change: c.1810C>T on transcript NM_001009944.3 (MANE Select); coding-DNA position 1810, C replaced by T.
Protein change: p.Gln604Ter; replaces glutamine 604 with a stop codon.
Molecular consequence: nonsense.
Genome position (GRCh38, 1-based): chr16:2,116,031, G>A on the plus strand (C>T on the coding strand, the complement: PKD1 is on the minus strand). VCF-style: chr16-2116031-G-A. GRCh37 (hg19) VCF-style: chr16-2166032-G-A.
Other names: c.1810C>T, p.Gln604Ter (NM_000296.4); short protein forms Q604*.
Identifiers: ClinVar variation 974407 (VCV000974407.17), dbSNP rs2092629130, ClinGen allele CA394391085.
Genomic context (GRCh38, chr16:2,116,031, plus strand): 5'-ACCCACCACCCAGAGTCCCACCTGCTGTGCTGAGGAGCCGGTACACCTGCAGCCGCAGCT[G>A]GGCGGGCCGCCGGAGCTCCTGGGTCCCAAATTCGGCCGTGGTGAGGAAGGCTTCACGGCT-3'